The following is an entry in ClinVar:

NM_014495.4(ANGPTL3):c.998T>G (p.Ile333Ser)

Genes: ANGPTL3 (angiopoietin like 3; plus strand), DOCK7 (dedicator of cytokinesis 7; minus strand). Cytogenetic location: 1p31.3.
Variant type: single nucleotide variant.
Coding change: c.998T>G on transcript NM_014495.4 (MANE Select); coding-DNA position 998, T replaced by G.
Protein change: p.Ile333Ser; replaces isoleucine 333 with serine.
Molecular consequence: missense variant. On other transcripts: intron variant (7).
Genome position (GRCh38, 1-based): chr1:62,604,035, T>G. VCF-style: chr1-62604035-T-G. GRCh37 (hg19) VCF-style: chr1-63069706-T-G.
Other names: p.Ile333Ser; c.1682+14671A>C (NM_001272001.2, NM_001272000.2, NM_033407.4 and 4 more transcripts); short protein forms I333S.
Identifiers: ClinVar variation 1374797 (VCV001374797.5), dbSNP rs200065546, ClinGen allele CA886770.

ClinVar aggregate classification (germline): Uncertain significance. Review status: criteria provided, multiple submitters, no conflicts (2 of 4 stars). 2 submissions from 2 submitters: Uncertain significance (2). Last evaluated 2025-11-01.

Allele frequency attached by ClinVar (database versions not stated): TOPMed 0.00007; gnomAD 0.00011 and 0.00013; gnomAD exomes 0.00014; ESP Exome Variant Server 0.00023.
gnomAD v4.1: 391 of 1,612,970 alleles (0.024%); highest among the groups gnomAD compares: Non-Finnish European, 0.031%; no homozygotes.

Submissions (2):

Mayo Clinic Laboratories, Mayo Clinic
Classification: Uncertain significance. Last evaluated: 2025-11-01. Review status: criteria provided, single submitter. Criteria: ACMG Guidelines, 2015. Collection method: clinical testing. Allele origin: germline. Observed: 1 variant allele.
Comment: PP3

Labcorp Genetics (formerly Invitae), Labcorp
Classification: Uncertain significance. Last evaluated: 2025-02-12. Review status: criteria provided, single submitter. Criteria: Invitae Variant Classification Sherloc (09022015). Collection method: clinical testing. Allele origin: germline.
Comment: This sequence change replaces isoleucine, which is neutral and non-polar, with serine, which is neutral and polar, at codon 333 of the ANGPTL3 protein (p.Ile333Ser). This variant is present in population databases (rs200065546, gnomAD 0.02%). This missense change has been observed in individual(s) with clinical features of ANGPTL3-related conditions (PMID: 36325899; internal data). In at least one individual the data is consistent with being in trans (on the opposite chromosome) from a pathogenic variant. ClinVar contains an entry for this variant (Variation ID: 1374797). An algorithm developed to predict the effect of missense changes on protein structure and function (PolyPhen-2) suggests that this variant is likely to be disruptive. Experimental studies have shown that this missense change does not substantially affect ANGPTL3 function (PMID: 28385496). In summary, the available evidence is currently insufficient to determine the role of this variant in disease. Therefore, it has been classified as a Variant of Uncertain Significance.

Literature cited by the submitters: PubMed 28385496 (cited by Mayo Clinic Laboratories, Mayo Clinic and Labcorp Genetics (formerly Invitae), Labcorp); PubMed 32041611 (cited by Mayo Clinic Laboratories, Mayo Clinic); PubMed 36325899 (cited by Mayo Clinic Laboratories, Mayo Clinic and Labcorp Genetics (formerly Invitae), Labcorp).